The following is an entry in ClinVar:

ClinVar aggregate classification (germline): Benign/Likely benign. Review status: criteria provided, multiple submitters, no conflicts (2 of 4 stars). 13 submissions from 13 submitters: Benign (9); Likely benign (1). 3 of the submissions do not count toward it. Last evaluated 2026-02-03.

Conditions:
Hypertrophic cardiomyopathy 26. Also called: Cardiomyopathy, familial hypertrophic, 26. Identifiers: Orphanet 75249, MedGen C4310749, MONDO:0014883, OMIM 617047.
Distal myopathy with posterior leg and anterior hand involvement. Also called: WILLIAMS DISTAL MYOPATHY. Identifiers: Orphanet 63273, MedGen C3279722, MONDO:0013550, OMIM 614065.
Myofibrillar myopathy 5. Also called: Filaminopathy (type); FILAMINOPATHY, AUTOSOMAL DOMINANT. Identifiers: Orphanet 171445, MedGen C1836050, MONDO:0012289, OMIM 609524.
Cardiomyopathy (CMYO). Also called: Cardiomyopathies. Identifiers: Orphanet 167848, MedGen C0878544, MONDO:0004994, HP:0001638. Inheritance: Various modes of inheritance.

Allele frequency attached by ClinVar (database versions not stated): ESP Exome Variant Server 0.00113; gnomAD 0.00133 and 0.00344; TOPMed 0.00171; gnomAD exomes 0.00502 and 0.00822; ExAC 0.00907; 1000 Genomes Project 30x 0.02202; 1000 Genomes Project 0.02416.
gnomAD v4.1: 7,928 of 1,613,792 alleles (0.49%); highest among the groups gnomAD compares: South Asian, 5%; 181 homozygotes.

Submissions (13):

Labcorp Genetics (formerly Invitae), Labcorp
Classification: Benign for Distal myopathy with posterior leg and anterior hand involvement; Myofibrillar myopathy 5; Hypertrophic cardiomyopathy 26. Last evaluated: 2026-02-03. Review status: criteria provided, single submitter. Criteria: Invitae Variant Classification Sherloc (09022015). Collection method: clinical testing. Allele origin: germline.

ARUP Laboratories, Molecular Genetics and Genomics, ARUP Laboratories
Classification: Benign. Last evaluated: 2025-06-05. Review status: criteria provided, single submitter. Criteria: ARUP Molecular Germline Variant Investigation Process 2024. Collection method: clinical testing. Allele origin: germline.

Molecular Diagnostic Laboratory for Inherited Cardiovascular Disease, Montreal Heart Institute
Classification: Benign. Last evaluated: 2025-04-09. Review status: criteria provided, single submitter. Criteria: ACMG Guidelines, 2015. Collection method: clinical testing. Allele origin: germline. Affected: no.

Blueprint Genetics
Classification: Likely benign. Last evaluated: 2024-11-26. Review status: criteria provided, single submitter. Criteria: ACMG Guidelines, 2015. Collection method: clinical testing. Allele origin: germline.

Mayo Clinic Laboratories, Mayo Clinic
Classification: Benign. Last evaluated: 2023-08-20. Review status: criteria provided, single submitter. Criteria: ACMG Guidelines, 2015. Collection method: clinical testing. Allele origin: germline. Observed: 11 variant alleles.

CHEO Genetics Diagnostic Laboratory, Children's Hospital of Eastern Ontario
Classification: Benign for Cardiomyopathy. Last evaluated: 2023-05-16. Review status: criteria provided, single submitter. Criteria: ACMG Guidelines, 2015. Collection method: clinical testing. Allele origin: germline.

Women's Health and Genetics/Laboratory Corporation of America, LabCorp
Classification: Benign. Last evaluated: 2023-04-10. Review status: criteria provided, single submitter. Criteria: LabCorp Variant Classification Summary - May 2015. Collection method: clinical testing. Allele origin: germline.

GeneDx
Classification: Benign. Last evaluated: 2016-04-26. Review status: criteria provided, single submitter. Criteria: GeneDx Variant Classification (06012015). Collection method: clinical testing. Allele origin: germline. Affected: yes.
Comment: This variant is considered likely benign or benign based on one or more of the following criteria: it is a conservative change, it occurs at a poorly conserved position in the protein, it is predicted to be benign by multiple in silico algorithms, and/or has population frequency not consistent with disease.

Eurofins Ntd Llc (ga)
Classification: Benign. Last evaluated: 2014-12-23. Review status: criteria provided, single submitter. Criteria: EGL Classification Definitions 2015. Collection method: clinical testing. Allele origin: germline. Observed: 2 variant alleles, 2 heterozygotes.

PreventionGenetics, part of Exact Sciences
Classification: Benign. Review status: criteria provided, single submitter. Criteria: ACMG Guidelines, 2015. Collection method: clinical testing. Allele origin: germline.

Clinical Genetics, Academic Medical Center
Classification: Benign. Review status: no assertion criteria provided. Collection method: clinical testing. Allele origin: germline. Affected: yes. Study: VKGL Data-share Consensus. Not counted in ClinVar's aggregate classification.

Genome Diagnostics Laboratory, University Medical Center Utrecht
Classification: Likely benign. Review status: no assertion criteria provided. Collection method: clinical testing. Allele origin: germline. Affected: yes. Study: VKGL Data-share Consensus. Not counted in ClinVar's aggregate classification.

Joint Genome Diagnostic Labs from Nijmegen and Maastricht, Radboudumc and MUMC+
Classification: Benign. Review status: no assertion criteria provided. Collection method: clinical testing. Allele origin: germline. Affected: yes. Study: VKGL Data-share Consensus. Not counted in ClinVar's aggregate classification.

NM_001458.5(FLNC):c.6005-9T>C

Genes: FLNC (filamin C; plus strand), FLNC-AS1 (FLNC antisense RNA 1; minus strand). Cytogenetic location: 7q32.1.
Variant type: single nucleotide variant.
Coding change: c.6005-9T>C on transcript NM_001458.5 (MANE Select); 9 bases into the intron before coding-DNA position 6005, T replaced by C.
Molecular consequence: intron variant.
Genome position (GRCh38, 1-based): chr7:128,852,819, T>C. VCF-style: chr7-128852819-T-C. GRCh37 (hg19) VCF-style: chr7-128492873-T-C.
Other names: p.?; c.5906-9T>C (NM_001127487.2).
Identifiers: ClinVar variation 197000 (VCV000197000.26), dbSNP rs118124743, ClinGen allele CA202655.
Genomic context (GRCh38, chr7:128,852,819, plus strand): 5'-GTGGGGCCTCACGGGGACCTCAGGGGTGGGGGCCCACAGGATGCTCTGCCTAACACCCAC[T>C]TTCCACAGGGATCTCCTTCACCCCCAAGGAGGTCGGGGAGCACGTGGTGAGCGTGCGCAA-3'